The following is an entry in ClinVar:

NM_003000.3(SDHB):c.84_141dup (p.Asp48fs)

Gene: SDHB (succinate dehydrogenase complex iron sulfur subunit B; minus strand). Cytogenetic location: 1p36.13.
Variant type: Duplication.
Coding change: c.84_141dup on transcript NM_003000.3 (MANE Select); coding-DNA positions 84 to 141, 58 bases duplicated.
Protein change: p.Asp48fs; shifts the reading frame from aspartic acid 48.
Molecular consequence: frameshift variant.
Genome position (GRCh38, 1-based): chr1:17,044,820-17,044,877, 58 bases duplicated. GRCh37 (hg19): chr1:17,371,317-17,371,374.
Other names: c.84_141dup, p.Asp48fs (NM_001407361.1); short protein forms D48fs.
Identifiers: ClinVar variation 2954035 (VCV002954035.3), dbSNP rs2525059744, ClinGen allele CA2740090608.

ClinVar aggregate classification (germline): Pathogenic (1 of 4 stars; one submission).

Conditions:
Pheochromocytoma. Also called: MAX-Related Hereditary Paraganglioma-Pheochromocytoma Syndrome. Identifiers: Orphanet 29072, MedGen C0031511, MONDO:0008233, OMIM 171300, HP:0002666.
Gastrointestinal stromal tumor. Also called: Gastrointestinal stromal tumor, somatic; Gastrointestinal stroma tumor. Identifiers: Orphanet 44890, MedGen C0238198, MeSH D046152, MONDO:0011719, OMIM 606764, HP:0100723.
Pheochromocytoma/paraganglioma syndrome 4. Also called: CAROTID BODY TUMORS AND MULTIPLE EXTRAADRENAL PHEOCHROMOCYTOMAS; PARAGANGLIOMA, FAMILIAL MALIGNANT; PARAGANGLIOMAS, HEREDITARY EXTRAADRENAL; PHEOCHROMOCYTOMA, FAMILIAL EXTRAADRENAL; Paragangliomas 4; SDHB-Related Hereditary Paraganglioma-Pheochromocytoma Syndrome (Paragangliomas 4). Identifiers: Orphanet 29072, MedGen C1861848, MONDO:0007273, OMIM 115310.

Submission:

Labcorp Genetics (formerly Invitae), Labcorp
Classification: Pathogenic for Gastrointestinal stromal tumor; Pheochromocytoma/paraganglioma syndrome 4; Pheochromocytoma. Last evaluated: 2023-11-19. Review status: criteria provided, single submitter. Criteria: Invitae Variant Classification Sherloc (09022015). Collection method: clinical testing. Allele origin: germline.
Comment: This sequence change creates a premature translational stop signal (p.Asp48Serfs*34) in the SDHB gene. It is expected to result in an absent or disrupted protein product. Loss-of-function variants in SDHB are known to be pathogenic (PMID: 19454582, 19802898). This variant is not present in population databases (gnomAD no frequency). This variant has not been reported in the literature in individuals affected with SDHB-related conditions. For these reasons, this variant has been classified as Pathogenic.

Literature cited by the submitters: PubMed 19454582; PubMed 19802898.